The following is an entry in ClinVar:

NM_005591.4(MRE11):c.1927-2A>G

Gene: MRE11 (MRE11 double strand break repair nuclease; minus strand). Cytogenetic location: 11q21.
Variant type: single nucleotide variant.
Coding change: c.1927-2A>G on transcript NM_005591.4 (MANE Select); the canonical splice acceptor site of the intron before coding-DNA position 1927, A replaced by G.
Molecular consequence: splice acceptor variant.
Genome position (GRCh38, 1-based): chr11:94,435,901, T>C on the plus strand (A>G on the coding strand, the complement: MRE11 is on the minus strand). VCF-style: chr11-94435901-T-C. GRCh37 (hg19) VCF-style: chr11-94169067-T-C.
Other names: c.1924-2A>G (NM_001330347.2); c.1843-2A>G (NM_005590.4).
Identifiers: ClinVar variation 141533 (VCV000141533.29), dbSNP rs587781822, ClinGen allele CA165710.

ClinVar aggregate classification (germline): Pathogenic/Likely pathogenic. Review status: criteria provided, multiple submitters, no conflicts (2 of 4 stars). 7 submissions from 7 submitters: Pathogenic (2); Likely pathogenic (5). Last evaluated 2025-04-01.

Conditions:
Ataxia-telangiectasia-like disorder (ATLD). Identifiers: MedGen C1858391, MONDO:0011457.
Hereditary cancer-predisposing syndrome. Also called: Tumor predisposition; Hereditary neoplastic syndrome; Hereditary Cancer Syndrome; Neoplastic Syndromes, Hereditary. Identifiers: Orphanet 140162, MedGen C0027672, MeSH D009386, MONDO:0015356.
Ataxia-telangiectasia-like disorder 1 (ATLD1). Identifiers: Orphanet 251347, MedGen C4012790, MONDO:0024557, OMIM 604391.

Allele frequency attached by ClinVar (database versions not stated): gnomAD exomes below 0.00001 and 0.00001.
gnomAD v4.1: 16 of 1,613,444 alleles (0.00099%); highest among the groups gnomAD compares: Non-Finnish European, 0.0014%; no homozygotes.

Submissions (7):

CeGaT Center for Human Genetics Tuebingen
Classification: Pathogenic. Last evaluated: 2025-04-01. Review status: criteria provided, single submitter. Criteria: CeGaT Center For Human Genetics Tuebingen Variant Classification Criteria Version 2. Collection method: clinical testing. Allele origin: germline. Affected: yes. Observed: 2 variant alleles.
Comment: MRE11: PVS1, PM2

3billion
Classification: Pathogenic for Ataxia-telangiectasia-like disorder 1. Last evaluated: 2023-10-06. Review status: criteria provided, single submitter. Criteria: ACMG Guidelines, 2015. Collection method: clinical testing. Allele origin: germline. Affected: yes.
Comment: The variant is observed at an extremely low frequency in the gnomAD v2.1.1 dataset (total allele frequency: 0.000%). Predicted Consequence/Location: Canonical splice site: predicted to alter splicing and result in a loss or disruption of normal protein function. Multiple pathogenic loss-of-function variants are reported downstream of the variant. The variant has been reported at least twice as pathogenic with clinical assertions and evidence for the classification (ClinVar ID: VCV000141533 /PMID: 26556299). Therefore, this variant is classified as Pathogenic according to the recommendation of ACMG/AMP guideline.

Labcorp Genetics (formerly Invitae), Labcorp
Classification: Likely pathogenic for Ataxia-telangiectasia-like disorder. Last evaluated: 2023-03-18. Review status: criteria provided, single submitter. Criteria: Invitae Variant Classification Sherloc (09022015). Collection method: clinical testing. Allele origin: germline.
Comment: Disruption of this splice site has been observed in individual(s) with prostate, breast, or ovarian cancer (PMID: 26556299, 32338768). This sequence change affects an acceptor splice site in intron 17 of the MRE11 gene. It is expected to disrupt RNA splicing. Variants that disrupt the donor or acceptor splice site typically lead to a loss of protein function (PMID: 16199547), and loss-of-function variants in MRE11 are known to be pathogenic (PMID: 23080121, 23912341). This variant is not present in population databases (gnomAD no frequency). ClinVar contains an entry for this variant (Variation ID: 141533). Algorithms developed to predict the effect of sequence changes on RNA splicing suggest that this variant may disrupt the consensus splice site. In summary, the currently available evidence indicates that the variant is pathogenic, but additional data are needed to prove that conclusively. Therefore, this variant has been classified as Likely Pathogenic.

Baylor Genetics
Classification: Likely pathogenic for Ataxia-telangiectasia-like disorder 1. Last evaluated: 2022-03-10. Review status: criteria provided, single submitter. Criteria: ACMG Guidelines, 2015. Collection method: clinical testing. Allele origin: unknown.

Ambry Genetics
Classification: Likely pathogenic for Hereditary cancer-predisposing syndrome. Last evaluated: 2021-06-07. Review status: criteria provided, single submitter. Criteria: Ambry Variant Classification Scheme 2023. Collection method: clinical testing. Allele origin: germline.
Comment: The c.1927-2A>G intronic variant results from an A to G substitution two nucleotides upstream from coding exon 17 in the MRE11A gene. This nucleotide position is highly conserved in available vertebrate species. In silico splice site analysis predicts that this alteration will weaken the native splice acceptor site and will result in the creation or strengthening of a novel splice acceptor site. Alterations that disrupt the canonical splice site are expected to cause aberrant splicing, resulting in an abnormal protein or a transcript that is subject to nonsense-mediated mRNA decay. As such, this alteration is classified as likely pathogenic.

Mendelics
Classification: Likely pathogenic for Ataxia-telangiectasia-like disorder 1. Last evaluated: 2019-05-28. Review status: criteria provided, single submitter. Criteria: Mendelics Assertion Criteria 2017. Collection method: clinical testing. Allele origin: unknown.

Genesis Genomics
Classification: Likely pathogenic for Ataxia-telangiectasia-like disorder 1. Review status: criteria provided, single submitter. Criteria: ACMG Guidelines, 2015. Collection method: clinical testing. Allele origin: germline. Affected: yes. Observed: 1 variant allele.

Literature cited by the submitters: PubMed 26556299 (cited by 3billion and Labcorp Genetics (formerly Invitae), Labcorp); PubMed 32338768 (cited by Labcorp Genetics (formerly Invitae), Labcorp); PubMed 16199547 (cited by Labcorp Genetics (formerly Invitae), Labcorp); PubMed 23080121 (cited by Labcorp Genetics (formerly Invitae), Labcorp); PubMed 23912341 (cited by Labcorp Genetics (formerly Invitae), Labcorp).